The following is an entry in ClinVar:

ClinVar aggregate classification (germline): Uncertain significance (1 of 4 stars; one submission).

Submission:

Labcorp Genetics (formerly Invitae), Labcorp
Classification: Uncertain significance. Last evaluated: 2025-06-09. Review status: criteria provided, single submitter. Criteria: Invitae Variant Classification Sherloc (09022015). Collection method: clinical testing. Allele origin: germline.
Comment: This sequence change replaces threonine, which is neutral and polar, with isoleucine, which is neutral and non-polar, at codon 132 of the CTDP1 protein (p.Thr132Ile). The frequency data for this variant in the population databases is considered unreliable, as metrics indicate poor data quality at this position in the gnomAD database. This variant has not been reported in the literature in individuals affected with CTDP1-related conditions. An algorithm developed to predict the effect of missense changes on protein structure and function (PolyPhen-2) suggests that this variant is likely to be disruptive. In summary, the available evidence is currently insufficient to determine the role of this variant in disease. Therefore, it has been classified as a Variant of Uncertain Significance.

NM_004715.5(CTDP1):c.395C>T (p.Thr132Ile)

Gene: CTDP1 (CTD phosphatase subunit 1; plus strand). Cytogenetic location: 18q23.
Variant type: single nucleotide variant.
Coding change: c.395C>T on transcript NM_004715.5 (MANE Select); coding-DNA position 395, C replaced by T.
Protein change: p.Thr132Ile; replaces threonine 132 with isoleucine.
Molecular consequence: missense variant.
Genome position (GRCh38, 1-based): chr18:79,695,305, C>T. VCF-style: chr18-79695305-C-T. GRCh37 (hg19) VCF-style: chr18-77455305-C-T.
Other names: c.38C>T, p.Thr13Ile (NM_001202504.1); c.395C>T, p.Thr132Ile (NM_001318511.2, NM_048368.4); short protein forms T132I, T13I.
Identifiers: ClinVar variation 4803313 (VCV004803313.1).